The following is an entry in ClinVar:

NM_000057.4(BLM):c.3091G>A (p.Glu1031Lys)

Gene: BLM (BLM RecQ like helicase; plus strand). Cytogenetic location: 15q26.1.
Variant type: single nucleotide variant.
Coding change: c.3091G>A on transcript NM_000057.4 (MANE Select); coding-DNA position 3091, G replaced by A.
Protein change: p.Glu1031Lys; replaces glutamic acid 1031 with lysine.
Molecular consequence: missense variant.
Genome position (GRCh38, 1-based): chr15:90,794,238, G>A. VCF-style: chr15-90794238-G-A. GRCh37 (hg19) VCF-style: chr15-91337468-G-A.
Other names: c.3091G>A, p.Glu1031Lys (NM_001287246.2, NM_001287247.2); c.1966G>A, p.Glu656Lys (NM_001287248.2); short protein forms E1031K, E656K.
Identifiers: ClinVar variation 579880 (VCV000579880.6), dbSNP rs1396000294, ClinGen allele CA393846812.

ClinVar aggregate classification (germline): Uncertain significance (1 of 4 stars; one submission).

Conditions:
Bloom syndrome (BLM). Also called: Bloom-Torre-Machacek syndrome. Identifiers: Orphanet 125, MedGen C0005859, MONDO:0008876, OMIM 210900.

Allele frequency attached by ClinVar (database versions not stated): gnomAD exomes below 0.00001.

Submission:

Labcorp Genetics (formerly Invitae), Labcorp
Classification: Uncertain significance for Bloom syndrome. Last evaluated: 2021-08-28. Review status: criteria provided, single submitter. Criteria: Invitae Variant Classification Sherloc (09022015). Collection method: clinical testing. Allele origin: germline.
Comment: This sequence change replaces glutamic acid with lysine at codon 1031 of the BLM protein (p.Glu1031Lys). The glutamic acid residue is highly conserved and there is a small physicochemical difference between glutamic acid and lysine. This variant is not present in population databases (ExAC no frequency). This variant has not been reported in the literature in individuals affected with BLM-related conditions. Algorithms developed to predict the effect of missense changes on protein structure and function are either unavailable or do not agree on the potential impact of this missense change (SIFT: "Deleterious"; PolyPhen-2: "Probably Damaging"; Align-GVGD: "Class C0"). In summary, the available evidence is currently insufficient to determine the role of this variant in disease. Therefore, it has been classified as a Variant of Uncertain Significance.